The following is an entry in ClinVar:

ClinVar aggregate classification (germline): Uncertain significance (1 of 4 stars; one submission).

Conditions:
Hereditary cancer-predisposing syndrome. Also called: Neoplastic Syndromes, Hereditary; Tumor predisposition; Hereditary Cancer Syndrome; Hereditary neoplastic syndrome. Identifiers: Orphanet 140162, MedGen C0027672, MeSH D009386, MONDO:0015356.

Submission:

Ambry Genetics
Classification: Uncertain significance for Hereditary cancer-predisposing syndrome. Last evaluated: 2021-05-25. Review status: criteria provided, single submitter. Criteria: Ambry Variant Classification Scheme 2023. Collection method: clinical testing. Allele origin: germline.
Comment: The p.S28I variant (also known as c.83G>T), located in coding exon 2 of the BRCA2 gene, results from a G to T substitution at nucleotide position 83. The serine at codon 28 is replaced by isoleucine, an amino acid with dissimilar properties. This amino acid position is highly conserved in available vertebrate species. In addition, this alteration is predicted to be tolerated by in silico analysis. Since supporting evidence is limited at this time, the clinical significance of this alteration remains unclear.

NM_000059.4(BRCA2):c.83G>T (p.Ser28Ile)

Gene: BRCA2 (BRCA2 DNA repair associated; plus strand). Cytogenetic location: 13q13.1.
Variant type: single nucleotide variant.
Coding change: c.83G>T on transcript NM_000059.4 (MANE Select); coding-DNA position 83, G replaced by T.
Protein change: p.Ser28Ile; replaces serine 28 with isoleucine.
Molecular consequence: missense variant.
Genome position (GRCh38, 1-based): chr13:32,319,092, G>T. VCF-style: chr13-32319092-G-T. GRCh37 (hg19) VCF-style: chr13-32893229-G-T.
Other names: c.83G>T, p.Ser28Ile (NM_001406719.1, NM_001406720.1, NM_001406721.1); c.-287G>T (NM_001406722.1); short protein forms S28I.
Identifiers: ClinVar variation 1763248 (VCV001763248.2), dbSNP rs1064793060, ClinGen allele CA387754072.